The following is an entry in ClinVar:

NM_001142800.2(EYS):c.5335G>A (p.Gly1779Ser)

Gene: EYS (EGF-like photoreceptor maintenance factor; minus strand). Cytogenetic location: 6q12.
Variant type: single nucleotide variant.
Coding change: c.5335G>A on transcript NM_001142800.2 (MANE Select); coding-DNA position 5335, G replaced by A.
Protein change: p.Gly1779Ser; replaces glycine 1779 with serine.
Molecular consequence: missense variant.
Genome position (GRCh38, 1-based): chr6:64,590,532, C>T on the plus strand (G>A on the coding strand, the complement: EYS is on the minus strand). VCF-style: chr6-64590532-C-T. GRCh37 (hg19) VCF-style: chr6-65300425-C-T.
Other names: c.5335G>A, p.Gly1779Ser (NM_001292009.2); short protein forms G1779S.
Identifiers: ClinVar variation 281813 (VCV000281813.19), dbSNP rs186499459, ClinGen allele CA3877025.

ClinVar aggregate classification (germline): Conflicting classifications of pathogenicity. Review status: criteria provided, conflicting classifications (1 of 4 stars). 5 submissions from 5 submitters: Uncertain significance (1); Benign (1); Likely benign (1). 2 of the submissions do not count toward it. Last evaluated 2026-01-22.

Conditions:
EYS-related disorder. Also called: EYS-related condition.
Retinitis pigmentosa 25 (RP25). Identifiers: Orphanet 791, MedGen C1864446, MONDO:0011272, OMIM 602772.

Allele frequency attached by ClinVar (database versions not stated): gnomAD exomes 0.00012 and 0.00023; ExAC 0.00051; 1000 Genomes Project 0.00060; 1000 Genomes Project 30x 0.00078; gnomAD 0.00110 and 0.00121; ESP Exome Variant Server 0.00131; TOPMed 0.00135.
gnomAD v4.1: 339 of 1,551,362 alleles (0.022%); highest among the groups gnomAD compares: African/African-American, 0.44%; 1 homozygote.

Submissions (5):

Labcorp Genetics (formerly Invitae), Labcorp
Classification: Benign. Last evaluated: 2026-01-22. Review status: criteria provided, single submitter. Criteria: Invitae Variant Classification Sherloc (09022015). Collection method: clinical testing. Allele origin: germline.

Blueprint Genetics
Classification: Likely benign. Last evaluated: 2024-09-02. Review status: criteria provided, single submitter. Criteria: ACMG Guidelines, 2015. Collection method: clinical testing. Allele origin: germline.

Eurofins Ntd Llc (ga)
Classification: Uncertain significance. Last evaluated: 2015-07-28. Review status: criteria provided, single submitter. Criteria: EGL Classification Definitions 2015. Collection method: clinical testing. Allele origin: germline. Observed: 1 variant allele, 1 heterozygote.

PreventionGenetics, part of Exact Sciences
Classification: Likely benign for EYS-related condition. Last evaluated: 2022-04-06. Review status: no assertion criteria provided. Collection method: clinical testing. Allele origin: germline. Not counted in ClinVar's aggregate classification.
Comment: This variant is classified as likely benign based on ACMG/AMP sequence variant interpretation guidelines (Richards et al. 2015 PMID: 25741868, with internal and published modifications).

Natera, Inc.
Classification: Likely benign for Retinitis pigmentosa type 25. Last evaluated: 2020-01-31. Review status: no assertion criteria provided. Collection method: clinical testing. Allele origin: germline. Not counted in ClinVar's aggregate classification.